The following is an entry in ClinVar:

NM_001267550.2(TTN):c.102034A>G (p.Ile34012Val)

Genes: TTN (titin; minus strand), TTN-AS1 (TTN antisense RNA 1; plus strand). Cytogenetic location: 2q31.2.
Variant type: single nucleotide variant.
Coding change: c.102034A>G on transcript NM_001267550.2 (MANE Select); coding-DNA position 102034, A replaced by G.
Protein change: p.Ile34012Val; replaces isoleucine 34012 with valine.
Molecular consequence: missense variant.
Genome position (GRCh38, 1-based): chr2:178,534,581, T>C on the plus strand (A>G on the coding strand, the complement: TTN is on the minus strand). VCF-style: chr2-178534581-T-C. GRCh37 (hg19) VCF-style: chr2-179399308-T-C.
Other names: c.97111A>G, p.Ile32371Val (NM_001256850.1); c.74839A>G, p.Ile24947Val (NM_003319.4); c.94330A>G, p.Ile31444Val (NM_133378.4); c.75214A>G, p.Ile25072Val (NM_133432.3); c.75415A>G, p.Ile25139Val (NM_133437.4); short protein forms I32371V, I34012V, I31444V, I24947V, I25072V, I25139V.
Identifiers: ClinVar variation 4784333 (VCV004784333.1).

ClinVar aggregate classification (germline): Uncertain significance (1 of 4 stars; one submission).

Conditions:
Dilated cardiomyopathy 1G (CMD1G). Identifiers: Orphanet 154, MedGen C1858763, MONDO:0011400, OMIM 604145.
Autosomal recessive limb-girdle muscular dystrophy type 2J (LGMDR10). Also called: Limb-girdle muscular dystrophy, type 2J; MUSCULAR DYSTROPHY, LIMB-GIRDLE, AUTOSOMAL RECESSIVE 10. Identifiers: Orphanet 140922, MedGen C1837342, MONDO:0012127, OMIM 608807.

Submission:

Labcorp Genetics (formerly Invitae), Labcorp
Classification: Uncertain significance for Dilated cardiomyopathy 1G; Autosomal recessive limb-girdle muscular dystrophy type 2J. Last evaluated: 2025-03-04. Review status: criteria provided, single submitter. Criteria: Invitae Variant Classification Sherloc (09022015). Collection method: clinical testing. Allele origin: germline.
Comment: This sequence change replaces isoleucine, which is neutral and non-polar, with valine, which is neutral and non-polar, at codon 34012 of the TTN protein (p.Ile34012Val). This variant is not present in population databases (gnomAD no frequency). This variant has not been reported in the literature in individuals affected with TTN-related conditions. Experimental studies and prediction algorithms are not available or were not evaluated, and the functional significance of this variant is currently unknown. This variant is located in the M band of TTN (PMID: 25589632). Non-truncating variants in this region may be relevant for neuromuscular disorders, but have not been definitively shown to cause cardiomyopathy (PMID: 23975875). In summary, the available evidence is currently insufficient to determine the role of this variant in disease. Therefore, it has been classified as a Variant of Uncertain Significance.

Literature cited by the submitters: PubMed 25589632; PubMed 23975875.